The following is an entry in ClinVar:

NM_013964.5(NRG1):c.1402G>A (p.Val468Ile)

Gene: NRG1 (neuregulin 1; plus strand). Cytogenetic location: 8p12.
Variant type: single nucleotide variant.
Coding change: c.1402G>A on transcript NM_013964.5 (MANE Select); coding-DNA position 1402, G replaced by A.
Protein change: p.Val468Ile; replaces valine 468 with isoleucine.
Molecular consequence: missense variant. On other transcripts: 3 prime UTR variant (4).
Genome position (GRCh38, 1-based): chr8:32,763,881, G>A. VCF-style: chr8-32763881-G-A. GRCh37 (hg19) VCF-style: chr8-32621399-G-A.
Other names: c.1303G>A, p.Val435Ile (NM_001159995.3); c.*155G>A (NM_001159996.3, NM_001160004.3, NM_001322206.2 and 1 more transcripts); c.1354G>A, p.Val452Ile (NM_001159999.3); c.1252G>A, p.Val418Ile (NM_001160001.3); c.931G>A, p.Val311Ile (NM_001322197.2); c.628G>A, p.Val210Ile (NM_001322201.2, NM_001322202.2); c.1582G>A, p.Val528Ile (NM_001322205.2); c.1417G>A, p.Val473Ile (NM_013956.5); and 1 more; short protein forms V210I, V311I, V418I, V435I, V452I, V465I, V468I, V473I.
Identifiers: ClinVar variation 5039746 (VCV005039746.1).
Genomic context (GRCh38, chr8:32,763,881, plus strand): 5'-CCCCCTTCGGAAATGTCTCCACCCGTGTCCAGCATGACGGTGTCCATGCCTTCCATGGCG[G>A]TCAGCCCCTTCATGGAAGAAGAGAGACCTCTACTTCTCGTGACACCACCAAGGCTGCGGG-3'
Protein context (NP_039258.1, residues 458-478): SMTVSMPSMA[Val468Ile]SPFMEEERPL

ClinVar aggregate classification (germline): Likely benign (1 of 4 stars; one submission).

gnomAD v4.1: 8 of 1,613,940 alleles (0.0005%); highest among the groups gnomAD compares: South Asian, 0.0088%; no homozygotes.

Submission:

CeGaT Center for Human Genetics Tuebingen
Classification: Likely benign. Last evaluated: 2026-07-01. Review status: criteria provided, single submitter. Criteria: CeGaT Center For Human Genetics Tuebingen Variant Classification Criteria Version 2. Collection method: clinical testing. Allele origin: germline. Affected: yes. Observed: 1 variant allele.
Comment: NRG1: BP4